The following is an entry in ClinVar:

ClinVar aggregate classification (germline): Uncertain significance. Review status: criteria provided, multiple submitters, no conflicts (2 of 4 stars). 3 submissions from 3 submitters: Uncertain significance (3). Last evaluated 2023-02-06.

Conditions:
Interstitial lung disease 2 (ILD2). Also called: FIBROCYSTIC PULMONARY DYSPLASIA; FIBROSING ALVEOLITIS, CRYPTOGENIC; Familial idiopathic pulmonary fibrosis. Identifiers: Orphanet 2032, Orphanet 79126, MedGen C5561926, MONDO:0800497, OMIM 178500, MONDO:0800029.

Allele frequency attached by ClinVar (database versions not stated): gnomAD exomes 0.00010 and 0.00100; gnomAD 0.00063 and 0.00069; ExAC 0.00178.
gnomAD v4.1: 221 of 1,546,162 alleles (0.014%); highest among the groups gnomAD compares: African/African-American, 0.027%; no homozygotes.

Submissions (3):

Department of Pathology and Laboratory Medicine, Sinai Health System
Classification: Uncertain significance for Interstitial lung disease 2. Last evaluated: 2023-02-06. Review status: criteria provided, single submitter. Criteria: ACMG Guidelines, 2015. Collection method: research. Allele origin: germline.

Laboratory for Molecular Medicine, Mass General Brigham Personalized Medicine
Classification: Uncertain significance. Last evaluated: 2016-03-28. Review status: criteria provided, single submitter. Criteria: LMM Criteria. Collection method: clinical testing. Allele origin: germline.
Comment: Variant identified in a genome or exome case(s) and assessed due to predicted null impact of the variant or pathogenic assertions in the literature or databases. Disclaimer: This variant has not undergone full assessment. The following are preliminary notes: One risk variant in this gene has been associated with pulmonary fibrosis

Breakthrough Genomics
Classification: Uncertain significance. Review status: criteria provided, single submitter. Criteria: ACMG Guidelines, 2015. Collection method: not provided. Allele origin: germline. Inheritance: Autosomal dominant inheritance. Affected: yes.

NM_002458.3(MUC5B):c.14573T>C (p.Met4858Thr)

Gene: MUC5B (mucin 5B, oligomeric mucus/gel-forming; plus strand). Cytogenetic location: 11p15.5.
Variant type: single nucleotide variant.
Coding change: c.14573T>C on transcript NM_002458.3 (MANE Select); coding-DNA position 14573, T replaced by C.
Protein change: p.Met4858Thr; replaces methionine 4858 with threonine.
Molecular consequence: missense variant.
Genome position (GRCh38, 1-based): chr11:1,251,453, T>C. VCF-style: chr11-1251453-T-C. GRCh37 (hg19) VCF-style: chr11-1272683-T-C.
Other names: short protein forms M4858T.
Identifiers: ClinVar variation 403201 (VCV000403201.6), dbSNP rs201272490, ClinGen allele CA5808729.